The following is an entry in ClinVar:

ClinVar aggregate classification (germline): Uncertain significance (1 of 4 stars; one submission).

Submission:

GeneDx
Classification: Uncertain significance. Last evaluated: 2024-04-22. Review status: criteria provided, single submitter. Criteria: GeneDx Variant Classification Process June 2021. Collection method: clinical testing. Allele origin: germline. Affected: yes.
Comment: Not observed at significant frequency in large population cohorts (gnomAD); In silico analysis supports that this missense variant has a deleterious effect on protein structure/function; Has not been previously published as pathogenic or benign to our knowledge

NM_001348716.2(KDM6B):c.3546C>A (p.Asn1182Lys)

Gene: KDM6B (lysine demethylase 6B; plus strand). Cytogenetic location: 17p13.1.
Variant type: single nucleotide variant.
Coding change: c.3546C>A on transcript NM_001348716.2 (MANE Select); coding-DNA position 3546, C replaced by A.
Protein change: p.Asn1182Lys; replaces asparagine 1182 with lysine.
Molecular consequence: missense variant.
Genome position (GRCh38, 1-based): chr17:7,849,926, C>A. VCF-style: chr17-7849926-C-A. GRCh37 (hg19) VCF-style: chr17-7753244-C-A.
Other names: c.3546C>A, p.Asn1182Lys (NM_001080424.2); short protein forms N1182K.
Identifiers: ClinVar variation 3372944 (VCV003372944.1).
Genomic context (GRCh38, chr17:7,849,926, plus strand): 5'-TGCCCAGTCTGTGAAACCGAAGATCAACACTGAGGAGAAGCTGCCCCGGGAAAAACTCAA[C>A]CCCCCTACACCCAGCATCTATGTATGTGTGCCACTTGGCCTCAGAACCACCCCTGCCAGA-3'
Protein context (NP_001335645.1, residues 1172-1192): TEEKLPREKL[Asn1182Lys]PPTPSIYLES